The following is an entry in ClinVar:

ClinVar aggregate classification (germline): Uncertain significance (3 of 4 stars; one submission).

Conditions:
Glanzmann thrombasthenia. Also called: Thrombasthenia; BLEEDING DISORDER, PLATELET-TYPE, 2; THROMBASTHENIA OF GLANZMANN AND NAEGELI; PLATELET GLYCOPROTEIN IIb-IIIa DEFICIENCY; Glanzmann's thrombasthenia. Identifiers: Orphanet 849, MedGen C0040015, MONDO:0100326.

Submission:

ClinGen Platelet Disorders Variant Curation Expert Panel, ClinGen
Classification: Uncertain significance for Glanzmann thrombasthenia. Last evaluated: 2023-10-17. Review status: reviewed by expert panel. Criteria: ClinGen Platelet ACMG Specifications v2-1. Collection method: curation. Allele origin: germline. Inheritance: Autosomal recessive inheritance.
Comment: The NM_000419.5(ITGA2B):c.286T>A (p.Cys96Ser) missense variant has been reported in one patient (Patient 11, PMID: 31029159) with a clinical diagnosis of GT as well as abnormal platelet aggregation. No other lab studies were provided to point to a highly specific GT phenotype. This variant was homozygous in the reported individual (Patient 11, PMID: 31029159) with a clinical diagnosis of GT (PM3_Supporting). The highest population minor allele frequency in gnomAD v 2.1.1 is 0.00003269 (1/30594 alleles) in the South Asian population (PM2_Supporting). This variant has a REVEL score of 0.8 which is above the threshold of >0.7 established by the PD EP (PP3_Met). In summary, this variant meets the criteria to be classified as uncertain significance for autosomal recessive Glanzmann Thrombasthenia based on the ACMG/AMP criteria applied, as specified by the ClinGen PD VCEP: PM2_supporting, PM3_Supporting, PP3 (VCEP specifications version 2.1).

NM_000419.5(ITGA2B):c.286T>A (p.Cys96Ser)

Gene: ITGA2B (integrin subunit alpha 2b; minus strand). Cytogenetic location: 17q21.31.
Variant type: single nucleotide variant.
Coding change: c.286T>A on transcript NM_000419.5 (MANE Select); coding-DNA position 286, T replaced by A.
Protein change: p.Cys96Ser; replaces cysteine 96 with serine.
Molecular consequence: missense variant.
Genome position (GRCh38, 1-based): chr17:44,386,034, A>T on the plus strand (T>A on the coding strand, the complement: ITGA2B is on the minus strand). VCF-style: chr17-44386034-A-T. GRCh37 (hg19) VCF-style: chr17-42463402-A-T.
Other names: NM_000419.5:c.286T>A; short protein forms C96S.
Identifiers: ClinVar variation 2674648 (VCV002674648.1), dbSNP rs765904826, ClinGen allele CA8603504.